The following is an entry in ClinVar:

NM_001164508.2(NEB):c.1413C>T (p.Phe471=)

Gene: NEB (nebulin; minus strand). Cytogenetic location: 2q23.3.
Variant type: single nucleotide variant.
Coding change: c.1413C>T on transcript NM_001164508.2 (MANE Select); coding-DNA position 1413, C replaced by T.
Protein change: p.Phe471=; no amino-acid change (phenylalanine 471 retained).
Molecular consequence: synonymous variant.
Genome position (GRCh38, 1-based): chr2:151,697,205, G>A on the plus strand (C>T on the coding strand, the complement: NEB is on the minus strand). VCF-style: chr2-151697205-G-A. GRCh37 (hg19) VCF-style: chr2-152553719-G-A.
Other names: p.Phe471=; c.1413C>T, p.Phe471= (NM_001164507.2, NM_001271208.2, NM_004543.5).
Identifiers: ClinVar variation 167341 (VCV000167341.28), dbSNP rs112958786, ClinGen allele CA180221.

ClinVar aggregate classification (germline): Benign/Likely benign. Review status: criteria provided, multiple submitters, no conflicts (2 of 4 stars). 9 submissions from 9 submitters: Benign (4); Likely benign (4). 1 of the submissions does not count toward it. Last evaluated 2026-01-28.

Conditions:
Nemaline myopathy 2 (NEM2). Also called: Nemaline myopathy 2, autosomal recessive. Identifiers: MedGen C1850569, MONDO:0009725, OMIM 256030.

Allele frequency attached by ClinVar (database versions not stated): gnomAD exomes 0.00104; ExAC 0.00121; ESP Exome Variant Server 0.00293; gnomAD 0.00334 and 0.00363; TOPMed 0.00368; 1000 Genomes Project 0.00379; 1000 Genomes Project 30x 0.00390.
gnomAD v4.1: 1,254 of 1,613,746 alleles (0.078%); highest among the groups gnomAD compares: African/African-American, 1.2%; 8 homozygotes.

Submissions (9):

Labcorp Genetics (formerly Invitae), Labcorp
Classification: Benign for Nemaline myopathy 2. Last evaluated: 2026-01-28. Review status: criteria provided, single submitter. Criteria: Invitae Variant Classification Sherloc (09022015). Collection method: clinical testing. Allele origin: germline.

Mayo Clinic Laboratories, Mayo Clinic
Classification: Likely benign. Last evaluated: 2025-08-15. Review status: criteria provided, single submitter. Criteria: ACMG Guidelines, 2015. Collection method: clinical testing. Allele origin: germline. Observed: 1 variant allele.
Comment: BS1, BP4, BP7

Blueprint Genetics
Classification: Likely benign. Last evaluated: 2024-10-09. Review status: criteria provided, single submitter. Criteria: ACMG Guidelines, 2015. Collection method: clinical testing. Allele origin: germline.

GeneDx
Classification: Benign. Last evaluated: 2020-11-12. Review status: criteria provided, single submitter. Criteria: GeneDx Variant Classification Process June 2021. Collection method: clinical testing. Allele origin: germline. Affected: yes.

Illumina Laboratory Services, Illumina
Classification: Likely benign for Nemaline myopathy 2. Last evaluated: 2018-01-12. Review status: criteria provided, single submitter. Criteria: ICSL Variant Classification Criteria 13 December 2019. Collection method: clinical testing. Allele origin: germline.
Comment: This variant was observed in the ICSL laboratory as part of a predisposition screen in an ostensibly healthy population. It had not been previously curated by ICSL or reported in the Human Gene Mutation Database (HGMD: prior to June 1st, 2018), and was therefore a candidate for classification through an automated scoring system. Utilizing variant allele frequency, disease prevalence and penetrance estimates, and inheritance mode, an automated score was calculated to assess if this variant is too frequent to cause the disease. Based on the score and internal cut-off values, a variant classified as likely benign is not then subjected to further curation. The score for this variant resulted in a classification of likely benign for this disease.

Eurofins Ntd Llc (ga)
Classification: Benign. Last evaluated: 2014-01-27. Review status: criteria provided, single submitter. Criteria: EGL Classification Definitions 2015. Collection method: clinical testing. Allele origin: germline. Observed: 1 variant allele, 1 heterozygote.

Breakthrough Genomics
Classification: Likely benign. Review status: criteria provided, single submitter. Criteria: ACMG Guidelines, 2015. Collection method: not provided. Allele origin: germline. Inheritance: Autosomal recessive inheritance. Affected: yes.

PreventionGenetics, part of Exact Sciences
Classification: Benign. Review status: criteria provided, single submitter. Criteria: ACMG Guidelines, 2015. Collection method: clinical testing. Allele origin: germline.

Natera, Inc.
Classification: Uncertain significance for Nemaline myopathy type 2. Last evaluated: 2020-01-17. Review status: no assertion criteria provided. Collection method: clinical testing. Allele origin: germline. Not counted in ClinVar's aggregate classification.